The following is an entry in ClinVar:

ClinVar aggregate classification (germline): Benign/Likely benign. Review status: criteria provided, multiple submitters, no conflicts (2 of 4 stars). 2 submissions from 2 submitters: Benign (1); Likely benign (1). Last evaluated 2022-12-01.

Allele frequency attached by ClinVar (database versions not stated): gnomAD 0.00172; TOPMed 0.00285; ESP Exome Variant Server 0.00300; 1000 Genomes Project 0.00439; 1000 Genomes Project 30x 0.00468.
gnomAD v4.1: 862 of 1,613,694 alleles (0.053%); highest among the groups gnomAD compares: African/African-American, 0.8%; 2 homozygotes.

Submissions (2):

CeGaT Center for Human Genetics Tuebingen
Classification: Likely benign. Last evaluated: 2022-12-01. Review status: criteria provided, single submitter. Criteria: CeGaT Center For Human Genetics Tuebingen Variant Classification Criteria Version 2. Collection method: clinical testing. Allele origin: germline. Affected: yes. Observed: 1 variant allele.
Comment: RRBP1: BP4, BP7

Labcorp Genetics (formerly Invitae), Labcorp
Classification: Benign. Last evaluated: 2019-12-31. Review status: criteria provided, single submitter. Criteria: Invitae Variant Classification Sherloc (09022015). Collection method: clinical testing. Allele origin: germline.

NM_001365613.2(RRBP1):c.3531C>T (p.Leu1177=)

Gene: RRBP1 (ribosome binding protein 1; minus strand). Cytogenetic location: 20p12.1.
Variant type: single nucleotide variant.
Coding change: c.3531C>T on transcript NM_001365613.2 (MANE Select); coding-DNA position 3531, C replaced by T.
Protein change: p.Leu1177=; no amino-acid change (leucine 1177 retained).
Molecular consequence: synonymous variant.
Genome position (GRCh38, 1-based): chr20:17,620,347, G>A on the plus strand (C>T on the coding strand, the complement: RRBP1 is on the minus strand). VCF-style: chr20-17620347-G-A. GRCh37 (hg19) VCF-style: chr20-17600992-G-A.
Other names: c.2232C>T, p.Leu744= (NM_001042576.2, NM_004587.3).
Identifiers: ClinVar variation 783859 (VCV000783859.28), dbSNP rs114498635, ClinGen allele CA9772951.
Genomic context (GRCh38, chr20:17,620,347, plus strand): 5'-CAGAGCACATACCTGGTCCGAACTTTCAAGTTCTCCTTTTAGCTTCTCTACAATCTCTTC[G>A]AGATGCTTCACTGTGACCCGGGACTACAAAGCAAGGGGAAGGCTCCGTCAGACACGAGCA-3'
Protein context (NP_001352542.1, residues 1167-1187): LQKSRVTVKH[Leu1177=]EEIVEKLKGE